The following is an entry in ClinVar:

ClinVar aggregate classification (germline): Likely benign (1 of 4 stars; one submission).

Allele frequency attached by ClinVar (database versions not stated): 1000 Genomes Project 30x 0.00312; 1000 Genomes Project 0.00359; TOPMed 0.00468; gnomAD 0.00504; ESP Exome Variant Server 0.00607; ExAC 0.00723.
gnomAD v4.1: 10,884 of 1,614,174 alleles (0.67%); highest among the groups gnomAD compares: Non-Finnish European, 0.78%; 56 homozygotes.

Submissions (7):

CeGaT Center for Human Genetics Tuebingen
Classification: Likely benign. Last evaluated: 2023-05-01. Review status: criteria provided, single submitter. Criteria: CeGaT Center For Human Genetics Tuebingen Variant Classification Criteria Version 2. Collection method: clinical testing. Allele origin: germline. Affected: yes. Observed: 1 variant allele.
Comment: TLR1: BP4, BS2

Dr. Peter K. Rogan Lab, Western University
No classification provided (evidence only). Condition: Clear cell carcinoma of kidney. Review status: no classification provided. Collection method: in vitro. Allele origin: not applicable. Functional consequence: retained intron. Not counted in ClinVar's aggregate classification.

Dr. Peter K. Rogan Lab, Western University
No classification provided (evidence only). Condition: Colon adenocarcinoma. Review status: no classification provided. Collection method: in vitro. Allele origin: not applicable. Functional consequence: retained intron. Not counted in ClinVar's aggregate classification.

Dr. Peter K. Rogan Lab, Western University
No classification provided (evidence only). Condition: Colorectal cancer. Review status: no classification provided. Collection method: in vitro. Allele origin: not applicable. Functional consequence: retained intron. Not counted in ClinVar's aggregate classification.

Dr. Peter K. Rogan Lab, Western University
No classification provided (evidence only). Condition: Thyroid cancer, nonmedullary, 1. Review status: no classification provided. Collection method: in vitro. Allele origin: not applicable. Functional consequence: retained intron. Not counted in ClinVar's aggregate classification.

Dr. Peter K. Rogan Lab, Western University
No classification provided (evidence only). Condition: Cervical cancer. Review status: no classification provided. Collection method: in vitro. Allele origin: not applicable. Functional consequence: retained intron. Not counted in ClinVar's aggregate classification.

Dr. Peter K. Rogan Lab, Western University
No classification provided (evidence only). Condition: Nonpapillary renal cell carcinoma. Review status: no classification provided. Collection method: in vitro. Allele origin: not applicable. Functional consequence: retained intron. Not counted in ClinVar's aggregate classification.

NM_003263.4(TLR1):c.2159A>C (p.His720Pro)

Gene: TLR1 (toll like receptor 1; minus strand). Cytogenetic location: 4p14.
Variant type: single nucleotide variant.
Coding change: c.2159A>C on transcript NM_003263.4 (MANE Select); coding-DNA position 2159, A replaced by C.
Protein change: p.His720Pro; replaces histidine 720 with proline.
Molecular consequence: missense variant.
Genome position (GRCh38, 1-based): chr4:38,796,673, T>G on the plus strand (A>C on the coding strand, the complement: TLR1 is on the minus strand). VCF-style: chr4-38796673-T-G. GRCh37 (hg19) VCF-style: chr4-38798294-T-G.
Other names: NC_000004.11:g.38798294T>G; short protein forms H720P.
Identifiers: ClinVar variation 2654725 (VCV002654725.25), dbSNP rs113706342, ClinGen allele CA2889200.